The following is an entry in ClinVar:

NM_144997.7(FLCN):c.617dup (p.Val207fs)

Gene: FLCN (folliculin; minus strand). Cytogenetic location: 17p11.2.
Variant type: Duplication.
Coding change: c.617dup on transcript NM_144997.7 (MANE Select); coding-DNA position 617, one base duplicated (A; older notation c.617dupA).
Protein change: p.Val207fs; shifts the reading frame from valine 207.
Molecular consequence: frameshift variant.
Genome position (GRCh38, 1-based): chr17:17,223,923, T duplicated on the plus strand (A on the coding strand, the reverse complement: FLCN is on the minus strand); the first of 2 consecutive T bases (chr17:17,223,923-17,223,924); duplicating either gives the same sequence. VCF-style (leftmost placement, unchanged base first): chr17-17223922-C-CT. GRCh37 (hg19) VCF-style: chr17-17127236-C-CT.
Other names: c.671dup, p.Val225fs (NM_001353229.2); c.617dup, p.Val207fs (NM_001353230.2, NM_001353231.2, NM_144606.7); c.617dupA (NM_144997.5); short protein forms V225fs, V207fs.
Identifiers: ClinVar variation 1752057 (VCV001752057.2), dbSNP rs2544250633, ClinGen allele CA2580092636.

ClinVar aggregate classification (germline): Pathogenic (1 of 4 stars; one submission).

Conditions:
Hereditary cancer-predisposing syndrome. Also called: Hereditary Cancer Syndrome; Hereditary neoplastic syndrome; Neoplastic Syndromes, Hereditary; Tumor predisposition. Identifiers: Orphanet 140162, MedGen C0027672, MeSH D009386, MONDO:0015356.

Submission:

Ambry Genetics
Classification: Pathogenic for Hereditary cancer-predisposing syndrome. Last evaluated: 2022-02-02. Review status: criteria provided, single submitter. Criteria: Ambry Variant Classification Scheme 2023. Collection method: clinical testing. Allele origin: germline.
Comment: The c.617dupA pathogenic mutation, located in coding exon 3 of the FLCN gene, results from a duplication of A at nucleotide position 617, causing a translational frameshift with a predicted alternate stop codon (p.V207Gfs*3). This variant is considered to be rare based on population cohorts in the Genome Aggregation Database (gnomAD). This alteration is expected to result in loss of function by premature protein truncation or nonsense-mediated mRNA decay. As such, this alteration is interpreted as a disease-causing mutation.